The following is an entry in ClinVar:

ClinVar aggregate classification (germline): Likely benign. Review status: criteria provided, multiple submitters, no conflicts (2 of 4 stars). 4 submissions from 4 submitters: Likely benign (4). Last evaluated 2025-05-28.

Conditions:
Inborn genetic diseases. Identifiers: MedGen C0950123, MeSH D030342.

Allele frequency attached by ClinVar (database versions not stated): ExAC 0.00002; gnomAD exomes 0.00003; ESP Exome Variant Server 0.00008; 1000 Genomes Project 30x 0.00016; 1000 Genomes Project 0.00020.
gnomAD v4.1: 37 of 1,607,918 alleles (0.0023%); highest among the groups gnomAD compares: African/African-American, 0.015%; no homozygotes.

Submissions (4):

Ambry Genetics
Classification: Likely benign for Inborn genetic diseases. Last evaluated: 2025-05-28. Review status: criteria provided, single submitter. Criteria: Ambry Variant Classification Scheme 2023. Collection method: clinical testing. Allele origin: germline.

Labcorp Genetics (formerly Invitae), Labcorp
Classification: Likely benign. Last evaluated: 2025-04-11. Review status: criteria provided, single submitter. Criteria: Invitae Variant Classification Sherloc (09022015). Collection method: clinical testing. Allele origin: germline.

CeGaT Center for Human Genetics Tuebingen
Classification: Likely benign. Last evaluated: 2024-08-01. Review status: criteria provided, single submitter. Criteria: CeGaT Center For Human Genetics Tuebingen Variant Classification Criteria Version 2. Collection method: clinical testing. Allele origin: germline. Affected: yes. Observed: 3 variant alleles.
Comment: ERCC2: BP4, BP7

Blueprint Genetics
Classification: Likely benign. Last evaluated: 2024-02-20. Review status: criteria provided, single submitter. Criteria: ACMG Guidelines, 2015. Collection method: clinical testing. Allele origin: germline.

NM_000400.4(ERCC2):c.1875C>T (p.Tyr625=)

Gene: ERCC2 (ERCC excision repair 2, TFIIH core complex helicase subunit; minus strand). Cytogenetic location: 19q13.32.
Variant type: single nucleotide variant.
Coding change: c.1875C>T on transcript NM_000400.4 (MANE Select); coding-DNA position 1875, C replaced by T.
Protein change: p.Tyr625=; no amino-acid change (tyrosine 625 retained).
Molecular consequence: synonymous variant.
Genome position (GRCh38, 1-based): chr19:45,352,773, G>A on the plus strand (C>T on the coding strand, the complement: ERCC2 is on the minus strand). VCF-style: chr19-45352773-G-A. GRCh37 (hg19) VCF-style: chr19-45856031-G-A.
Identifiers: ClinVar variation 1545483 (VCV001545483.40), dbSNP rs146538967, ClinGen allele CA9513018.
Genomic context (GRCh38, chr19:45,352,773, plus strand): 5'-CTGTGGGACTCCCTGGGAGACAGAGCTACTCACCTTGAGAATGCGGCTCTGTGTGTAGAC[G>A]TAGGGGACGCCAAACATGATGACGGCCCGCCCGTAGTGGTGCACTGGTGGGCAGAGGAGA-3'
Protein context (NP_000391.1, residues 615-635): GRAVIMFGVP[Tyr625=]VYTQSRILKA